The following is an entry in ClinVar:

ClinVar aggregate classification (germline): Uncertain significance (1 of 4 stars; one submission).

Conditions:
Familial adenomatous polyposis 1 (FAP1). Also called: FAMILIAL ADENOMATOUS POLYPOSIS 1, ATTENUATED; POLYPOSIS, ADENOMATOUS INTESTINAL. Identifiers: MedGen C2713442, MONDO:0021056, OMIM 175100. Disease mechanism: loss of function.

Submission:

Labcorp Genetics (formerly Invitae), Labcorp
Classification: Uncertain significance for Familial adenomatous polyposis 1. Last evaluated: 2024-02-15. Review status: criteria provided, single submitter. Criteria: Invitae Variant Classification Sherloc (09022015). Collection method: clinical testing. Allele origin: germline.
Comment: This sequence change replaces lysine, which is basic and polar, with glutamine, which is neutral and polar, at codon 2180 of the APC protein (p.Lys2180Gln). This variant is not present in population databases (gnomAD no frequency). This variant has not been reported in the literature in individuals affected with APC-related conditions. Advanced modeling of protein sequence and biophysical properties (such as structural, functional, and spatial information, amino acid conservation, physicochemical variation, residue mobility, and thermodynamic stability) performed at Invitae indicates that this missense variant is not expected to disrupt APC protein function with a negative predictive value of 95%. In summary, the available evidence is currently insufficient to determine the role of this variant in disease. Therefore, it has been classified as a Variant of Uncertain Significance.

NM_000038.6(APC):c.6538A>C (p.Lys2180Gln)

Gene: APC (APC regulator of Wnt signaling pathway; plus strand). Cytogenetic location: 5q22.2.
Variant type: single nucleotide variant.
Coding change: c.6538A>C on transcript NM_000038.6 (MANE Select); coding-DNA position 6538, A replaced by C.
Protein change: p.Lys2180Gln; replaces lysine 2180 with glutamine.
Molecular consequence: missense variant. On other transcripts: non-coding transcript variant (2).
Genome position (GRCh38, 1-based): chr5:112,842,132, A>C. VCF-style: chr5-112842132-A-C. GRCh37 (hg19) VCF-style: chr5-112177829-A-C.
Other names: c.6151A>C, p.Lys2051Gln (NM_001407469.1, NM_001407467.1); c.5689A>C, p.Lys1897Gln (NM_001407470.1, NM_001354906.2); c.5386A>C, p.Lys1796Gln (NM_001407471.1, NM_001407472.1); c.6538A>C, p.Lys2180Gln (NM_001127510.3, NM_001354895.2, NM_001407450.1); c.6484A>C, p.Lys2162Gln (NM_001127511.3); c.6592A>C, p.Lys2198Gln (NM_001354896.2, NM_001407447.1, NM_001407448.1 and 1 more transcripts); c.6568A>C, p.Lys2190Gln (NM_001354897.2); c.6463A>C, p.Lys2155Gln (NM_001354898.2); and 11 more; short protein forms K1897Q, K2079Q, K2089Q, K2155Q, K2173Q, K1796Q, K2051Q, K2054Q.
Identifiers: ClinVar variation 3635504 (VCV003635504.2).
Genomic context (GRCh38, chr5:112,842,132, plus strand): 5'-ACAAGTAATAAAGGCCCACGAATTCTAAAACCAGGGGAGAAAAGTACATTGGAAACTAAA[A>C]AGATAGAATCTGAAAGTAAAGGAATCAAAGGAGGAAAAAAAGTTTATAAAAGTTTGATTA-3'
Protein context (NP_000029.2, residues 2170-2190): PGEKSTLETK[Lys2180Gln]IESESKGIKG